The following is an entry in ClinVar:

NM_015650.4(TRAF3IP1):c.905C>T (p.Pro302Leu)

Gene: TRAF3IP1 (TRAF3 interacting protein 1; plus strand). Cytogenetic location: 2q37.3.
Variant type: single nucleotide variant.
Coding change: c.905C>T on transcript NM_015650.4 (MANE Select); coding-DNA position 905, C replaced by T.
Protein change: p.Pro302Leu; replaces proline 302 with leucine.
Molecular consequence: missense variant.
Genome position (GRCh38, 1-based): chr2:238,329,332, C>T. VCF-style: chr2-238329332-C-T. GRCh37 (hg19) VCF-style: chr2-239237973-C-T.
Other names: c.905C>T, p.Pro302Leu (NM_001139490.1); short protein forms P302L.
Identifiers: ClinVar variation 1505427 (VCV001505427.8), dbSNP rs2106364712, ClinGen allele CA351246659.
Genomic context (GRCh38, chr2:238,329,332, plus strand): 5'-TGAAAAACGGGGAGCACTCCTGGGACCTGGACAGGGAGAAGAACAGAGAGCATGACAAAC[C>T]TGAGAAAAAGGTAAAGTCTTGCTGAGAACCTCGCCTTTTGCTTAGCAAGAGTTTGTGGTG-3'
Protein context (NP_056465.2, residues 292-312): DREKNREHDK[Pro302Leu]EKKSASSGEM

ClinVar aggregate classification (germline): Uncertain significance (1 of 4 stars; one submission).

Submission:

Labcorp Genetics (formerly Invitae), Labcorp
Classification: Uncertain significance. Last evaluated: 2022-06-13. Review status: criteria provided, single submitter. Criteria: Invitae Variant Classification Sherloc (09022015). Collection method: clinical testing. Allele origin: germline.
Comment: In summary, the available evidence is currently insufficient to determine the role of this variant in disease. Therefore, it has been classified as a Variant of Uncertain Significance. Algorithms developed to predict the effect of missense changes on protein structure and function output the following: SIFT: "Deleterious"; PolyPhen-2: "Benign"; Align-GVGD: "Class C0". The leucine amino acid residue is found in multiple mammalian species, which suggests that this missense change does not adversely affect protein function. This variant has not been reported in the literature in individuals affected with TRAF3IP1-related conditions. This variant is not present in population databases (gnomAD no frequency). This sequence change replaces proline, which is neutral and non-polar, with leucine, which is neutral and non-polar, at codon 302 of the TRAF3IP1 protein (p.Pro302Leu).